The following is an entry in ClinVar:

ClinVar aggregate classification (germline): Uncertain significance (1 of 4 stars; one submission).

Conditions:
Combined immunodeficiency due to LRBA deficiency. Also called: Common variable immunodeficiency 8, with autoimmunity. Identifiers: Orphanet 445018, MedGen C3553512, MONDO:0013863, OMIM 614700.

gnomAD v4.1: 2 of 1,612,620 alleles (0.00012%); highest among the groups gnomAD compares: Admixed American, 0.0017%; no homozygotes.

Submission:

Labcorp Genetics (formerly Invitae), Labcorp
Classification: Uncertain significance for Combined immunodeficiency due to LRBA deficiency. Last evaluated: 2025-01-13. Review status: criteria provided, single submitter. Criteria: Invitae Variant Classification Sherloc (09022015). Collection method: clinical testing. Allele origin: germline.
Comment: This sequence change replaces valine, which is neutral and non-polar, with leucine, which is neutral and non-polar, at codon 1345 of the LRBA protein (p.Val1345Leu). This variant is not present in population databases (gnomAD no frequency). This variant has not been reported in the literature in individuals affected with LRBA-related conditions. ClinVar contains an entry for this variant (Variation ID: 1368978). Invitae Evidence Modeling of protein sequence and biophysical properties (such as structural, functional, and spatial information, amino acid conservation, physicochemical variation, residue mobility, and thermodynamic stability) indicates that this missense variant is expected to disrupt LRBA protein function with a positive predictive value of 80%. In summary, the available evidence is currently insufficient to determine the role of this variant in disease. Therefore, it has been classified as a Variant of Uncertain Significance.

NM_001364905.1(LRBA):c.4033G>C (p.Val1345Leu)

Gene: LRBA (LPS responsive beige-like anchor protein; minus strand). Cytogenetic location: 4q31.3.
Variant type: single nucleotide variant.
Coding change: c.4033G>C on transcript NM_001364905.1 (MANE Select); coding-DNA position 4033, G replaced by C.
Protein change: p.Val1345Leu; replaces valine 1345 with leucine.
Molecular consequence: missense variant.
Genome position (GRCh38, 1-based): chr4:150,849,547, C>G on the plus strand (G>C on the coding strand, the complement: LRBA is on the minus strand). VCF-style: chr4-150849547-C-G. GRCh37 (hg19) VCF-style: chr4-151770699-C-G.
Other names: c.4033G>C, p.Val1345Leu (NM_001199282.3, NM_001367550.1, NM_006726.5); short protein forms V1345L.
Identifiers: ClinVar variation 1368978 (VCV001368978.8), dbSNP rs745514451, ClinGen allele CA107812120.